The following is an entry in ClinVar:

NM_000059.4(BRCA2):c.7115C>A (p.Ser2372Ter)

Gene: BRCA2 (BRCA2 DNA repair associated; plus strand). Cytogenetic location: 13q13.1.
Variant type: single nucleotide variant.
Coding change: c.7115C>A on transcript NM_000059.4 (MANE Select); coding-DNA position 7115, C replaced by A.
Protein change: p.Ser2372Ter; replaces serine 2372 with a stop codon.
Molecular consequence: nonsense.
Genome position (GRCh38, 1-based): chr13:32,354,968, C>A. VCF-style: chr13-32354968-C-A. GRCh37 (hg19) VCF-style: chr13-32929105-C-A.
Other names: short protein forms S2372*.
Identifiers: ClinVar variation 441507 (VCV000441507.17), dbSNP rs80358943, ClinGen allele CA387738655.
Genomic context (GRCh38, chr13:32,354,968, plus strand): 5'-CTGGTCAAGAATTTCTGTCTAAATCTCATTTGTATGAACATCTGACTTTGGAAAAATCTT[C>A]AAGCAATTTAGCAGTTTCAGGACATCCATTTTATCAAGTTTCTGCTACAAGAAATGAAAA-3'

ClinVar aggregate classification (germline): Pathogenic. Review status: reviewed by expert panel (3 of 4 stars). 6 submissions from 6 submitters: Pathogenic (1). 5 of the submissions do not count toward it. Last evaluated 2017-12-15.

Conditions:
Breast-ovarian cancer, familial, susceptibility to, 2 (BROVCA2). Also called: BRCA2 Hereditary Breast and Ovarian Cancer. Identifiers: Orphanet 145, MedGen C2675520, MONDO:0012933, OMIM 612555. Disease mechanism: loss of function.
Hereditary cancer-predisposing syndrome. Also called: Hereditary Cancer Syndrome; Hereditary neoplastic syndrome; Tumor predisposition; Neoplastic Syndromes, Hereditary. Identifiers: Orphanet 140162, MedGen C0027672, MeSH D009386, MONDO:0015356.
Hereditary breast ovarian cancer syndrome. Also called: Hereditary breast and ovarian cancer syndrome; BRCA1- and BRCA2-Associated Hereditary Breast and Ovarian Cancer; Hereditary breast and ovarian cancer syndrome (HBOC); Hereditary breast and/or ovarian cancer syndrome; Hereditary breast and ovarian cancer; Breast and ovarian cancer. Identifiers: Orphanet 145, MedGen C0677776, MeSH D061325, MONDO:0003582. Disease mechanism: loss of function.

Submissions (6):

Evidence-based Network for the Interpretation of Germline Mutant Alleles (ENIGMA)
Classification: Pathogenic for Breast-ovarian cancer, familial, susceptibility to, 2. Last evaluated: 2017-12-15. Review status: reviewed by expert panel. Criteria: ENIGMA BRCA1/2 Classification Criteria (2017-06-29). Collection method: curation. Allele origin: germline. Study: ENIGMA.
Comment: Variant allele predicted to encode a truncated non-functional protein.

Women's Health and Genetics/Laboratory Corporation of America, LabCorp
Classification: Pathogenic for Hereditary breast ovarian cancer syndrome. Last evaluated: 2025-12-09. Review status: criteria provided, single submitter. Criteria: LabCorp Variant Classification Summary - May 2015. Collection method: clinical testing. Allele origin: germline. Not counted in ClinVar's aggregate classification.
Comment: Variant summary: BRCA2 c.7115C>A (p.Ser2372X) results in a premature termination codon, predicted to cause a truncation of the encoded protein or absence of the protein due to nonsense mediated decay, which are commonly known mechanisms for disease. The variant was absent in 251002 control chromosomes. c.7115C>A has been observed in individual(s) affected with Hereditary Breast And Ovarian Cancer Syndrome (examples: Palmer_2020). The following publication has been ascertained in the context of this evaluation (PMID: 32427313). ClinVar contains an entry for this variant (Variation ID: 441507). Based on the evidence outlined above, the variant was classified as pathogenic.

Labcorp Genetics (formerly Invitae), Labcorp
Classification: Pathogenic for Hereditary breast ovarian cancer syndrome. Last evaluated: 2025-09-22. Review status: criteria provided, single submitter. Criteria: Invitae Variant Classification Sherloc (09022015). Collection method: clinical testing. Allele origin: germline. Not counted in ClinVar's aggregate classification.
Comment: This sequence change creates a premature translational stop signal (p.Ser2372*) in the BRCA2 gene. It is expected to result in an absent or disrupted protein product. Loss-of-function variants in BRCA2 are known to be pathogenic (PMID: 20104584). This variant is not present in population databases (gnomAD no frequency). This premature translational stop signal has been observed in individual(s) with pancreatic, breast, or ovarian cancer (PMID: 25743105, 32427313, 32885271). ClinVar contains an entry for this variant (Variation ID: 441507). For these reasons, this variant has been classified as Pathogenic.

Ambry Genetics
Classification: Pathogenic for Hereditary cancer-predisposing syndrome. Last evaluated: 2025-09-11. Review status: criteria provided, single submitter. Criteria: Ambry Variant Classification Scheme 2023. Collection method: clinical testing. Allele origin: germline. Not counted in ClinVar's aggregate classification.
Comment: The p.S2372* pathogenic mutation (also known as c.7115C>A), located in coding exon 13 of the BRCA2 gene, results from a C to A substitution at nucleotide position 7115. This changes the amino acid from a serine to a stop codon within coding exon 13. This variant is considered to be rare based on population cohorts in the Genome Aggregation Database (gnomAD). This alteration is expected to result in loss of function by premature protein truncation or nonsense-mediated mRNA decay. As such, this alteration is interpreted as a disease-causing mutation.

Color Diagnostics, LLC DBA Color Health
Classification: Pathogenic for Hereditary cancer-predisposing syndrome. Last evaluated: 2020-01-15. Review status: criteria provided, single submitter. Criteria: ACMG Guidelines, 2015. Collection method: clinical testing. Allele origin: germline. Not counted in ClinVar's aggregate classification.
Comment: This variant changes 1 nucleotide in exon 14 of the BRCA2 gene, creating a premature translation stop signal. This variant is expected to result in an absent or non-functional protein product. This variant has not been identified in the general population by the Genome Aggregation Database (gnomAD). Loss of BRCA2 function is a known mechanism of disease. Based on the available evidence, this variant is classified as Pathogenic.

GeneDx
Classification: Pathogenic. Last evaluated: 2018-04-09. Review status: criteria provided, single submitter. Criteria: GeneDx Variant Classification (06012015). Collection method: clinical testing. Allele origin: germline. Affected: yes. Not counted in ClinVar's aggregate classification.
Comment: This pathogenic variant is denoted BRCA2 c.7115C>A at the cDNA level and p.Ser2372Ter (S2372X) at the protein level. The substitution creates a nonsense variant, which changes a Serine to a premature stop codon (TCA>TAA), and is predicted to cause loss of normal protein function through either protein truncation or nonsense-mediated mRNA decay. Although this variant has not, to our knowledge, been reported in the literature, it is considered pathogenic.

Literature cited by the submitters: PubMed 32427313 (cited by Women's Health and Genetics/Laboratory Corporation of America, LabCorp and Labcorp Genetics (formerly Invitae), Labcorp); PubMed 20104584 (cited by Labcorp Genetics (formerly Invitae), Labcorp); PubMed 25743105 (cited by Labcorp Genetics (formerly Invitae), Labcorp and Ambry Genetics); PubMed 32885271 (cited by Labcorp Genetics (formerly Invitae), Labcorp).